The following is an entry in ClinVar:

NM_001034853.2(RPGR):c.2389_2409del (p.Glu797_Gly803del)

Gene: RPGR (retinitis pigmentosa GTPase regulator; minus strand). Cytogenetic location: Xp11.4.
Variant type: Deletion.
Coding change: c.2389_2409del on transcript NM_001034853.2 (MANE Select); coding-DNA positions 2389 to 2409, 21 bases deleted (GAAGAGGAGGAAACAGAGGGG).
Protein change: p.Glu797_Gly803del.
Molecular consequence: inframe deletion. On other transcripts: intron variant (8).
Genome position (GRCh38, 1-based): chrX:38,286,590-38,286,610, CCCCTCTGTTTCCTCCTCTTC deleted on the plus strand (GAAGAGGAGGAAACAGAGGGG on the coding strand, the reverse complement: RPGR is on the minus strand); deleting any 21 consecutive bases within chrX:38,286,590-38,286,617 gives the same sequence; the c. name uses the placement nearest the transcript's 3' end. VCF-style (leftmost placement, unchanged base first): chrX-38286589-TCCCCTCTGTTTCCTCCTCTTC-T. GRCh37 (hg19) VCF-style: chrX-38145842-TCCCCTCTGTTTCCTCCTCTTC-T.
Other names: c.2389_2409del21 (NM_001034853.1); c.1569+4349_1569+4369del (NM_001367249.1, NM_001367250.1); c.1902+484_1902+504del (NM_001367245.1); c.1386+4349_1386+4369del (NM_001367251.1); c.1719+484_1719+504del (NM_001367246.1); c.1572+4349_1572+4369del (NM_001367247.1); c.1905+484_1905+504del (NM_000328.3); c.1602+4349_1602+4369del (NM_001367248.1).
Identifiers: ClinVar variation 2716497 (VCV002716497.4), dbSNP rs1304711822, ClinGen allele CA515709238.

ClinVar aggregate classification (germline): Conflicting classifications of pathogenicity. Review status: criteria provided, conflicting classifications (1 of 4 stars). 3 submissions from 3 submitters: Uncertain significance (2); Likely benign (1). Last evaluated 2026-03-15.

Conditions:
RPGR-related disorder. Also called: RPGR-related condition.
Primary ciliary dyskinesia. Also called: Ciliary dyskinesia. Identifiers: Orphanet 244, MedGen C0008780, MONDO:0016575, HP:0012265.

Submissions (3):

PreventionGenetics, part of Exact Sciences
Classification: Likely benign for RPGR-related condition. Last evaluated: 2026-03-15. Review status: criteria provided, single submitter. Criteria: ACMG Guidelines, 2015. Collection method: clinical testing. Allele origin: germline.
Comment: This variant is classified as likely benign based on ACMG/AMP sequence variant interpretation guidelines (Richards et al. 2015 PMID: 25741868, with internal and published modifications).

Labcorp Genetics (formerly Invitae), Labcorp
Classification: Uncertain significance for Primary ciliary dyskinesia. Last evaluated: 2024-04-25. Review status: criteria provided, single submitter. Criteria: Invitae Variant Classification Sherloc (09022015). Collection method: clinical testing. Allele origin: germline.
Comment: This variant, c.2389_2409del, results in the deletion of 7 amino acid(s) of the RPGR (ORF15) protein (p.Glu797_Gly803del), but otherwise preserves the integrity of the reading frame. This variant is present in population databases (no rsID available, gnomAD 0.01%). This variant has not been reported in the literature in individuals affected with RPGR (ORF15)-related conditions. Experimental studies and prediction algorithms are not available or were not evaluated, and the functional significance of this variant is currently unknown. In summary, the available evidence is currently insufficient to determine the role of this variant in disease. Therefore, it has been classified as a Variant of Uncertain Significance.

Blueprint Genetics
Classification: Uncertain significance. Last evaluated: 2023-11-13. Review status: criteria provided, single submitter. Criteria: ACMG Guidelines, 2015. Collection method: clinical testing. Allele origin: germline.